The following is an entry in ClinVar:

ClinVar aggregate classification (germline): Likely benign. Review status: criteria provided, multiple submitters, no conflicts (2 of 4 stars). 3 submissions from 3 submitters: Likely benign (3). Last evaluated 2025-03-01.

Allele frequency attached by ClinVar (database versions not stated): gnomAD exomes 0.00002; gnomAD 0.00003; TOPMed 0.00003.

Submissions (3):

CeGaT Center for Human Genetics Tuebingen
Classification: Likely benign. Last evaluated: 2025-03-01. Review status: criteria provided, single submitter. Criteria: CeGaT Center For Human Genetics Tuebingen Variant Classification Criteria Version 2. Collection method: clinical testing. Allele origin: germline. Affected: yes. Observed: 1 variant allele.
Comment: TUBB2A: BP4, BP7

Labcorp Genetics (formerly Invitae), Labcorp
Classification: Likely benign. Last evaluated: 2024-07-03. Review status: criteria provided, single submitter. Criteria: Invitae Variant Classification Sherloc (09022015). Collection method: clinical testing. Allele origin: germline.

Blueprint Genetics
Classification: Likely benign. Last evaluated: 2023-03-20. Review status: criteria provided, single submitter. Criteria: ACMG Guidelines, 2015. Collection method: clinical testing. Allele origin: germline.

NM_001069.3(TUBB2A):c.507C>T (p.Val169=)

Gene: TUBB2A (tubulin beta 2A class IIa; minus strand). Cytogenetic location: 6p25.2.
Variant type: single nucleotide variant.
Coding change: c.507C>T on transcript NM_001069.3 (MANE Select); coding-DNA position 507, C replaced by T.
Protein change: p.Val169=; no amino-acid change (valine 169 retained).
Molecular consequence: synonymous variant.
Genome position (GRCh38, 1-based): chr6:3,154,694, G>A on the plus strand (C>T on the coding strand, the complement: TUBB2A is on the minus strand). VCF-style: chr6-3154694-G-A. GRCh37 (hg19) VCF-style: chr6-3154928-G-A.
Other names: c.252C>T, p.Val84= (NM_001310315.2).
Identifiers: ClinVar variation 1670626 (VCV001670626.17), dbSNP rs1323332947, ClinGen allele CA448707853.
Genomic context (GRCh38, chr6:3,154,694, plus strand): 5'-GACAGAGAGGGTGGCGTTGTAGGGCTCCACCACCGTGTCTGACACCTTGGGTGAGGGCAT[G>A]ACGCTGAAGGTGTTCATGATGCGGTCTGGGTACTCTTCCCGGATCTTGCTGATGAGCAGG-3'
Protein context (NP_001060.1, residues 159-179): YPDRIMNTFS[Val169=]MPSPKVSDTV